The following is an entry in ClinVar:

ClinVar aggregate classification (germline): Uncertain significance. Review status: criteria provided, multiple submitters, no conflicts (2 of 4 stars). 2 submissions from 2 submitters: Uncertain significance (2). Last evaluated 2026-03-19.

Conditions:
Charcot-Marie-Tooth disease. Also called: Charcot-Marie-Tooth Neuropathy; Charcot-Marie-Tooth Hereditary Neuropathy. Identifiers: Orphanet 166, MedGen C0007959, MONDO:0015626.
Inborn genetic diseases. Identifiers: MedGen C0950123, MeSH D030342.

Allele frequency attached by ClinVar (database versions not stated): ExAC 0.00001.
gnomAD v4.1: 1 of 1,607,314 alleles (0.000062%); highest among the groups gnomAD compares: Non-Finnish European, 0.000085%; no homozygotes.

Submissions (2):

Ambry Genetics
Classification: Uncertain significance for Inborn genetic diseases. Last evaluated: 2026-03-19. Review status: criteria provided, single submitter. Criteria: Ambry Variant Classification Scheme 2023. Collection method: clinical testing. Allele origin: germline.

Molecular Genetics, Royal Melbourne Hospital
Classification: Uncertain significance for Charcot-Marie-Tooth disease. Last evaluated: 2023-11-05. Review status: criteria provided, single submitter. Criteria: ACMG Guidelines, 2015. Collection method: clinical testing. Allele origin: germline. Inheritance: Autosomal dominant inheritance. Affected: yes.
Comment: This sequence change in SLC12A6 is predicted to replace tryptophan with arginine at codon 406, p.(Trp406Arg). The tryptophan residue is highly conserved (100 vertebrates, UCSC), and is located in the extracellular domain. There is a large physicochemical difference between tryptophan and arginine. The variant is present in a single European non-Finnish individual in the population database gnomAD v2.1 (1/113,713 alleles). To our knowledge, this variant has not been previously reported in the relevant scientific literature. Computational evidence is uninformative for the missense substitution (REVEL = 0.567). Based on the classification scheme RMH Modified ACMG/AMP Guidelines v1.6.1, this variant is classified as a VARIANT OF UNCERTAIN SIGNIFICANCE. Following criteria are met: PM2_Supporting

NM_001365088.1(SLC12A6):c.1216T>C (p.Trp406Arg)

Gene: SLC12A6 (solute carrier family 12 member 6; minus strand). Cytogenetic location: 15q14.
Variant type: single nucleotide variant.
Coding change: c.1216T>C on transcript NM_001365088.1 (MANE Select); coding-DNA position 1216, T replaced by C.
Protein change: p.Trp406Arg; replaces tryptophan 406 with arginine.
Molecular consequence: missense variant.
Genome position (GRCh38, 1-based): chr15:34,252,287, A>G on the plus strand (T>C on the coding strand, the complement: SLC12A6 is on the minus strand). VCF-style: chr15-34252287-A-G. GRCh37 (hg19) VCF-style: chr15-34544488-A-G.
Other names: c.1189T>C, p.Trp397Arg (NM_001042496.2); c.1171T>C, p.Trp391Arg (NM_001042497.2); c.1063T>C, p.Trp355Arg (NM_005135.2); c.1216T>C, p.Trp406Arg (NM_133647.2); c.1039T>C, p.Trp347Arg (NM_001042494.2, NM_001042495.2); short protein forms W347R, W406R, W391R, W355R, W397R.
Identifiers: ClinVar variation 1751820 (VCV001751820.4), dbSNP rs760508999, ClinGen allele CA7464359.